The following is an entry in ClinVar:

NM_032043.3(BRIP1):c.1588C>T (p.Leu530Phe)

Gene: BRIP1 (BRCA1 interacting DNA helicase 1; minus strand). Cytogenetic location: 17q23.2.
Variant type: single nucleotide variant.
Coding change: c.1588C>T on transcript NM_032043.3 (MANE Select); coding-DNA position 1588, C replaced by T.
Protein change: p.Leu530Phe; replaces leucine 530 with phenylalanine.
Molecular consequence: missense variant.
Genome position (GRCh38, 1-based): chr17:61,784,310, G>A on the plus strand (C>T on the coding strand, the complement: BRIP1 is on the minus strand). VCF-style: chr17-61784310-G-A. GRCh37 (hg19) VCF-style: chr17-59861671-G-A.
Other names: short protein forms L530F.
Identifiers: ClinVar variation 1172883 (VCV001172883.4), dbSNP rs1326418771, ClinGen allele CA400481038.
Genomic context (GRCh38, chr17:61,784,310, plus strand): 5'-TACTAGTTATCTTCACTTACCTGCTATTTTGCCTAAAAAGATAGTCAAGTACCATAAAAA[G>A]TCCTTTAAGCATTATTTGAGTTGATGCACTAATAACAGGTACTTCTCTTGCCTCCTCTTT-3'
Protein context (NP_114432.2, residues 520-540): SASTQIMLKG[Leu530Phe]FMVLDYLFRQ

ClinVar aggregate classification (germline): Uncertain significance. Review status: criteria provided, multiple submitters, no conflicts (2 of 4 stars). 2 submissions from 2 submitters: Uncertain significance (2). Last evaluated 2023-07-07.

Conditions:
Fanconi anemia complementation group J. Also called: BRIP1-Related Fanconi Anemia. Identifiers: Orphanet 84, MedGen C1836860, MONDO:0012187, OMIM 609054.
Familial cancer of breast. Also called: Hereditary breast cancer; BREAST CANCER, FAMILIAL; hereditary breast carcinoma. Identifiers: Orphanet 227535, MedGen C0346153, MONDO:0016419, OMIM 114480. Disease mechanism: loss of function.

Submissions (2):

Labcorp Genetics (formerly Invitae), Labcorp
Classification: Uncertain significance for Familial cancer of breast; Fanconi anemia complementation group J. Last evaluated: 2023-07-07. Review status: criteria provided, single submitter. Criteria: Invitae Variant Classification Sherloc (09022015). Collection method: clinical testing. Allele origin: germline.
Comment: In summary, the available evidence is currently insufficient to determine the role of this variant in disease. Therefore, it has been classified as a Variant of Uncertain Significance. Advanced modeling of protein sequence and biophysical properties (such as structural, functional, and spatial information, amino acid conservation, physicochemical variation, residue mobility, and thermodynamic stability) has been performed at Invitae for this missense variant, however the output from this modeling did not meet the statistical confidence thresholds required to predict the impact of this variant on BRIP1 protein function. ClinVar contains an entry for this variant (Variation ID: 1172883). This variant has not been reported in the literature in individuals affected with BRIP1-related conditions. This variant is not present in population databases (gnomAD no frequency). This sequence change replaces leucine, which is neutral and non-polar, with phenylalanine, which is neutral and non-polar, at codon 530 of the BRIP1 protein (p.Leu530Phe).

Women's Health and Genetics/Laboratory Corporation of America, LabCorp
Classification: Uncertain significance. Last evaluated: 2021-06-12. Review status: criteria provided, single submitter. Criteria: LabCorp Variant Classification Summary - May 2015. Collection method: clinical testing. Allele origin: germline.
Comment: Variant summary: BRIP1 c.1588C>T (p.Leu530Phe) results in a non-conservative amino acid change in the encoded protein sequence. Three of five in-silico tools predict a damaging effect of the variant on protein function. The variant was absent in 251346 control chromosomes. The available data on variant occurrences in the general population are insufficient to allow any conclusion about variant significance. To our knowledge, no occurrence of c.1588C>T in individuals affected with Hereditary Breast And Ovarian Cancer Syndrome and no experimental evidence demonstrating its impact on protein function have been reported. No clinical diagnostic laboratories have submitted clinical-significance assessments for this variant to ClinVar after 2014. Based on the evidence outlined above, the variant was classified as uncertain significance.